The following is an entry in ClinVar:

ClinVar aggregate classification (germline): Uncertain significance (1 of 4 stars; one submission).

Conditions:
Hereditary cancer-predisposing syndrome. Also called: Neoplastic Syndromes, Hereditary; Tumor predisposition; Hereditary neoplastic syndrome; Hereditary Cancer Syndrome. Identifiers: Orphanet 140162, MedGen C0027672, MeSH D009386, MONDO:0015356.

Submission:

Ambry Genetics
Classification: Uncertain significance for Hereditary cancer-predisposing syndrome. Last evaluated: 2025-06-18. Review status: criteria provided, single submitter. Criteria: Ambry Variant Classification Scheme 2023. Collection method: clinical testing. Allele origin: germline.
Comment: The p.V20A variant (also known as c.59T>C), located in coding exon 1 of the CDKN2A (p14ARF) gene, results from a T to C substitution at nucleotide position 59. The valine at codon 20 is replaced by alanine, an amino acid with similar properties. This amino acid position is well conserved in available vertebrate species. Based on the available evidence, the clinical significance of this variant remains unclear.

NM_058195.4(CDKN2A):c.59T>C (p.Val20Ala)

Gene: CDKN2A (cyclin dependent kinase inhibitor 2A; minus strand). Cytogenetic location: 9p21.3.
Variant type: single nucleotide variant.
Coding change: c.59T>C on transcript NM_058195.4 (MANE Plus Clinical); coding-DNA position 59, T replaced by C.
Protein change: p.Val20Ala; replaces valine 20 with alanine.
Molecular consequence: missense variant. On other transcripts: intron variant (1).
Genome position (GRCh38, 1-based): chr9:21,994,273, A>G on the plus strand (T>C on the coding strand, the complement: CDKN2A is on the minus strand). VCF-style: chr9-21994273-A-G. GRCh37 (hg19) VCF-style: chr9-21994272-A-G.
Other names: c.-4+548T>C (NM_001363763.2); short protein forms V20A.
Identifiers: ClinVar variation 4224767 (VCV004224767.1).